The following is an entry in ClinVar:

NM_001164508.2(NEB):c.21580G>A (p.Asp7194Asn)

Genes: NEB (nebulin; minus strand), RIF1 (replication timing regulatory factor 1; plus strand). Cytogenetic location: 2q23.3.
Variant type: single nucleotide variant.
Coding change: c.21580G>A on transcript NM_001164508.2 (MANE Select); coding-DNA position 21580, G replaced by A.
Protein change: p.Asp7194Asn; replaces aspartic acid 7194 with asparagine.
Molecular consequence: missense variant.
Genome position (GRCh38, 1-based): chr2:151,531,044, C>T on the plus strand (G>A on the coding strand, the complement: NEB is on the minus strand). VCF-style: chr2-151531044-C-T. GRCh37 (hg19) VCF-style: chr2-152387558-C-T.
Other names: c.21580G>A, p.Asp7194Asn (NM_001164507.2); c.21685G>A, p.Asp7229Asn (NM_001271208.2); c.16477G>A, p.Asp5493Asn (NM_004543.5); short protein forms D7229N, D7194N, D5493N.
Identifiers: ClinVar variation 1976299 (VCV001976299.7), dbSNP rs1254771902, ClinGen allele CA348770275.

ClinVar aggregate classification (germline): Conflicting classifications of pathogenicity. Review status: criteria provided, conflicting classifications (1 of 4 stars). 3 submissions from 3 submitters: Uncertain significance (1); Likely benign (1). 1 of the submissions does not count toward it. Last evaluated 2025-12-12.

Conditions:
Nemaline myopathy 2 (NEM2). Also called: Nemaline myopathy 2, autosomal recessive. Identifiers: MedGen C1850569, MONDO:0009725, OMIM 256030.

Allele frequency attached by ClinVar (database versions not stated): gnomAD 0.00001; TOPMed 0.00001.
gnomAD v4.1: 6 of 1,613,412 alleles (0.00037%); highest among the groups gnomAD compares: Middle Eastern, 0.016%; no homozygotes.

Submissions (3):

Myriad Genetics, Inc.
Classification: Uncertain significance for Nemaline myopathy 2. Last evaluated: 2025-12-12. Review status: criteria provided, single submitter. Criteria: Myriad Autosomal Dominant, Autosomal Recessive and X-Linked Classification Criteria (2023). Collection method: clinical testing. Allele origin: unknown.
Comment: NM_001271208.1(NEB):c.21685G>A(D7229N) is a missense variant classified as a variant of uncertain significance in the context of NEB-related nemaline myopathy. D7229N has not been observed in cases with relevant disease. Relevant functional assessments of this variant are not available in the literature. D7229N has been observed in referenced population frequency databases. In summary, there is insufficient evidence to classify NM_001271208.1(NEB):c.21685G>A(D7229N) as pathogenic or benign. Please note: this variant was assessed in the context of healthy population screening.

Labcorp Genetics (formerly Invitae), Labcorp
Classification: Likely benign for Nemaline myopathy 2. Last evaluated: 2023-11-12. Review status: criteria provided, single submitter. Criteria: Invitae Variant Classification Sherloc (09022015). Collection method: clinical testing. Allele origin: germline.

Natera, Inc.
Classification: Uncertain significance for Nemaline myopathy type 2. Last evaluated: 2025-02-19. Review status: no assertion criteria provided. Collection method: clinical testing. Allele origin: germline. Not counted in ClinVar's aggregate classification.